The following is an entry in ClinVar:

NM_001382567.1(STIM1):c.1154A>G (p.Lys385Arg)

Gene: STIM1 (stromal interaction molecule 1; plus strand). Cytogenetic location: 11p15.4.
Variant type: single nucleotide variant.
Coding change: c.1154A>G on transcript NM_001382567.1 (MANE Select); coding-DNA position 1154, A replaced by G.
Protein change: p.Lys385Arg; replaces lysine 385 with arginine.
Molecular consequence: missense variant. On other transcripts: non-coding transcript variant (2).
Genome position (GRCh38, 1-based): chr11:4,082,898, A>G. VCF-style: chr11-4082898-A-G. GRCh37 (hg19) VCF-style: chr11-4104128-A-G.
Other names: c.1154A>G, p.Lys385Arg (NM_001277961.3, NM_001277962.2, NM_001382568.1 and 1 more transcripts); c.932A>G, p.Lys311Arg (NM_001382566.1, NM_001382573.1, NM_001382575.1 and 4 more transcripts); c.1019A>G, p.Lys340Arg (NM_001382569.1); c.926A>G, p.Lys309Arg (NM_001382570.1); c.674A>G, p.Lys225Arg (NM_001382571.1); c.665A>G, p.Lys222Arg (NM_001382580.1, NM_001382581.1); short protein forms K311R, K385R, K222R, K225R, K309R, K340R.
Identifiers: ClinVar variation 964336 (VCV000964336.11), dbSNP rs768311695, ClinGen allele CA5830416.

ClinVar aggregate classification (germline): Uncertain significance. Review status: criteria provided, multiple submitters, no conflicts (2 of 4 stars). 2 submissions from 2 submitters: Uncertain significance (2). Last evaluated 2025-09-26.

Conditions:
Combined immunodeficiency due to STIM1 deficiency. Also called: IMMUNODEFICIENCY 10; STIM1 DEFICIENCY. Identifiers: Orphanet 169090, Orphanet 317430, MedGen C2748557, MONDO:0013008, OMIM 612783.
Myopathy with tubular aggregates (TAM). Also called: Tubular Aggregate Myopathy. Identifiers: Orphanet 2593, MedGen C0410207, MONDO:0008051.
Stormorken syndrome (STRMK). Also called: THROMBOCYTOPATHY, ASPLENIA, AND MIOSIS. Identifiers: Orphanet 3204, MedGen C1861451, MONDO:0008497, OMIM 185070.
Inborn genetic diseases. Identifiers: MedGen C0950123, MeSH D030342.

Allele frequency attached by ClinVar (database versions not stated): ExAC 0.00001; gnomAD 0.00001; gnomAD exomes 0.00001 and 0.00002; TOPMed 0.00001.
gnomAD v4.1: 30 of 1,614,068 alleles (0.0019%); highest among the groups gnomAD compares: Non-Finnish European, 0.0025%; no homozygotes.

Submissions (2):

Ambry Genetics
Classification: Uncertain significance for Inborn genetic diseases. Last evaluated: 2025-09-26. Review status: criteria provided, single submitter. Criteria: Ambry Variant Classification Scheme 2023. Collection method: clinical testing. Allele origin: germline.

Labcorp Genetics (formerly Invitae), Labcorp
Classification: Uncertain significance for Myopathy with tubular aggregates; Combined immunodeficiency due to STIM1 deficiency; Stormorken syndrome. Last evaluated: 2025-08-18. Review status: criteria provided, single submitter. Criteria: Invitae Variant Classification Sherloc (09022015). Collection method: clinical testing. Allele origin: germline.
Comment: This sequence change replaces lysine, which is basic and polar, with arginine, which is basic and polar, at codon 385 of the STIM1 protein (p.Lys385Arg). This variant is present in population databases (rs768311695, gnomAD 0.003%). This variant has not been reported in the literature in individuals affected with STIM1-related conditions. ClinVar contains an entry for this variant (Variation ID: 964336). Invitae Evidence Modeling of protein sequence and biophysical properties (such as structural, functional, and spatial information, amino acid conservation, physicochemical variation, residue mobility, and thermodynamic stability) has been performed for this missense variant. However, the output from this modeling did not meet the statistical confidence thresholds required to predict the impact of this variant on STIM1 protein function. In summary, the available evidence is currently insufficient to determine the role of this variant in disease. Therefore, it has been classified as a Variant of Uncertain Significance.